The following is an entry in ClinVar:

ClinVar aggregate classification (germline): Uncertain significance (1 of 4 stars; one submission).

Conditions:
Familial thoracic aortic aneurysm and aortic dissection (TAAD). Also called: Thoracic aortic aneurysms and dissections. Identifiers: Orphanet 91387, MedGen C4707243, MONDO:0019625.

gnomAD v4.1: 8 of 1,613,926 alleles (0.0005%); highest among the groups gnomAD compares: Non-Finnish European, 0.00068%; no homozygotes.

Submission:

Ambry Genetics
Classification: Uncertain significance for Familial thoracic aortic aneurysm and aortic dissection. Last evaluated: 2025-05-03. Review status: criteria provided, single submitter. Criteria: Ambry Variant Classification Scheme 2023. Collection method: clinical testing. Allele origin: germline.
Comment: The p.E39V variant (also known as c.116A>T), located in coding exon 2 of the PLOD1 gene, results from an A to T substitution at nucleotide position 116. The glutamic acid at codon 39 is replaced by valine, an amino acid with dissimilar properties. This amino acid position is conserved. In addition, this alteration is predicted to be tolerated by in silico analysis. Based on the available evidence, the clinical significance of this variant remains unclear.

NM_000302.4(PLOD1):c.116A>T (p.Glu39Val)

Gene: PLOD1 (procollagen-lysine,2-oxoglutarate 5-dioxygenase 1; plus strand). Cytogenetic location: 1p36.22.
Variant type: single nucleotide variant.
Coding change: c.116A>T on transcript NM_000302.4 (MANE Select); coding-DNA position 116, A replaced by T.
Protein change: p.Glu39Val; replaces glutamic acid 39 with valine.
Molecular consequence: missense variant.
Genome position (GRCh38, 1-based): chr1:11,948,015, A>T. VCF-style: chr1-11948015-A-T. GRCh37 (hg19) VCF-style: chr1-12008072-A-T.
Other names: c.257A>T, p.Glu86Val (NM_001316320.2); short protein forms E39V, E86V.
Identifiers: ClinVar variation 3934560 (VCV003934560.1).